The following is an entry in ClinVar:

NM_006734.4(HIVEP2):c.2216G>C (p.Arg739Thr)

Gene: HIVEP2 (HIVEP zinc finger 2; minus strand). Cytogenetic location: 6q24.2.
Variant type: single nucleotide variant.
Coding change: c.2216G>C on transcript NM_006734.4 (MANE Select); coding-DNA position 2216, G replaced by C.
Protein change: p.Arg739Thr; replaces arginine 739 with threonine.
Molecular consequence: missense variant.
Genome position (GRCh38, 1-based): chr6:142,772,523, C>G on the plus strand (G>C on the coding strand, the complement: HIVEP2 is on the minus strand). VCF-style: chr6-142772523-C-G. GRCh37 (hg19) VCF-style: chr6-143093660-C-G.
Other names: c.2216G>C, p.Arg739Thr (NM_001438449.1, NM_001438450.1, NM_001438451.1); short protein forms R739T.
Identifiers: ClinVar variation 4823398 (VCV004823398.4).
Genomic context (GRCh38, chr6:142,772,523, plus strand): 5'-TCAAAGCGTTCCGTGTGACCATGAGAAAGGTTTTCGTGTCCAGCCATGGCAAATCCACTC[C>G]TGACTCCTTCCTGCATCTGCAGTTTGGGGTCATAATCGGAAGCCATGATGCCCACAGGAG-3'
Protein context (NP_006725.3, residues 729-749): DPKLQMQEGV[Arg739Thr]SGFAMAGHEN

ClinVar aggregate classification (germline): Uncertain significance (1 of 4 stars; one submission).

Submission:

CeGaT Center for Human Genetics Tuebingen
Classification: Uncertain significance. Last evaluated: 2026-02-01. Review status: criteria provided, single submitter. Criteria: CeGaT Center For Human Genetics Tuebingen Variant Classification Criteria Version 2. Collection method: clinical testing. Allele origin: germline. Affected: yes. Observed: 1 variant allele.
Comment: HIVEP2: PM2, BP4